The following is an entry in ClinVar:

ClinVar aggregate classification (germline): Conflicting classifications of pathogenicity. Review status: criteria provided, conflicting classifications (1 of 4 stars). 9 submissions from 9 submitters: Uncertain significance (1); Benign (1); Likely benign (4). 3 of the submissions do not count toward it. Last evaluated 2025-12-08.

Conditions:
Dilated cardiomyopathy 3B (CMD3B). Also called: CMD3B: DMD-Related Dilated Cardiomyopathy; CARDIOMYOPATHY, DILATED, X-LINKED; DMD-Associated Dilated Cardiomyopathy. Identifiers: Orphanet 154, MedGen C3668940, MONDO:0010542, OMIM 302045.
Cardiomyopathy (CMYO). Also called: Cardiomyopathies. Identifiers: Orphanet 167848, MedGen C0878544, MONDO:0004994, HP:0001638. Inheritance: Various modes of inheritance.
Duchenne muscular dystrophy (DMD). Also called: MUSCULAR DYSTROPHY, PSEUDOHYPERTROPHIC PROGRESSIVE, DUCHENNE TYPE; Duchenne Muscular Dystrophy (DMD). Identifiers: Orphanet 98896, MedGen C0013264, MONDO:0010679, OMIM 310200.
Becker muscular dystrophy (BMD). Also called: MUSCULAR DYSTROPHY, PSEUDOHYPERTROPHIC PROGRESSIVE, BECKER TYPE; Becker Muscular Dystrophy (BMD). Identifiers: Orphanet 98895, MedGen C0917713, MONDO:0010311, OMIM 300376.
Dystrophin deficiency.

Allele frequency attached by ClinVar (database versions not stated): gnomAD 0.00010 and 0.00012; TOPMed 0.00016; gnomAD exomes 0.00022; ExAC 0.00028; 1000 Genomes Project 30x 0.00062; 1000 Genomes Project 0.00079.
gnomAD v4.1: 52 of 1,203,847 alleles (0.0043%); highest among the groups gnomAD compares: East Asian, 0.15%; no homozygotes.

Submissions (9):

Labcorp Genetics (formerly Invitae), Labcorp
Classification: Benign for Duchenne muscular dystrophy. Last evaluated: 2025-12-08. Review status: criteria provided, single submitter. Criteria: Invitae Variant Classification Sherloc (09022015). Collection method: clinical testing. Allele origin: germline.

Mayo Clinic Laboratories, Mayo Clinic
Classification: Likely benign. Last evaluated: 2025-08-27. Review status: criteria provided, single submitter. Criteria: ACMG Guidelines, 2015. Collection method: clinical testing. Allele origin: germline. Observed: 1 variant allele.
Comment: BS1, BS2_supporting

Blueprint Genetics
Classification: Likely benign. Last evaluated: 2024-08-22. Review status: criteria provided, single submitter. Criteria: ACMG Guidelines, 2015. Collection method: clinical testing. Allele origin: germline.

Illumina Laboratory Services, Illumina
Classification: Uncertain significance for Dilated cardiomyopathy 3B. Last evaluated: 2017-12-27. Review status: criteria provided, single submitter. Criteria: ICSL Variant Classification Criteria 13 December 2019. Collection method: clinical testing. Allele origin: germline.
Comment: This variant was observed as part of a predisposition screen in an ostensibly healthy population. A literature search was performed for the gene, cDNA change, and amino acid change (where applicable). Publications were found based on this search. However, the evidence from the literature, in combination with allele frequency data from public databases where available, was not sufficient to rule this variant in or out of causing disease. Therefore, this variant is classified as a variant of unknown significance.

Laboratory for Molecular Medicine, Mass General Brigham Personalized Medicine
Classification: Likely benign. Last evaluated: 2016-05-18. Review status: criteria provided, single submitter. Criteria: LMM Criteria. Collection method: clinical testing. Allele origin: germline. Observed: 1 variant allele.
Comment: p.Trp1265Ser in exon 28 of DMD: This variant is not expected to have clinical si gnificance because it has been identified in 0.4% (24/6585) of East Asian chromo somes, including 6 hemizygotes, by the Exome Aggregation Consortium (ExAC; dbSNP rs200213555).

Eurofins Ntd Llc (ga)
Classification: Likely benign. Last evaluated: 2015-12-04. Review status: criteria provided, single submitter. Criteria: EGL Classification Definitions 2015. Collection method: clinical testing. Allele origin: germline. Observed: 1 variant allele, 1 hemizygote.

Natera, Inc.
Classification: Likely benign for Becker muscular dystrophy; Cardiomyopathy; Duchenne muscular dystrophy; Dystrophin deficiency. Last evaluated: 2020-04-11. Review status: no assertion criteria provided. Collection method: clinical testing. Allele origin: germline. Not counted in ClinVar's aggregate classification.

Clinical Genetics DNA and cytogenetics Diagnostics Lab, Erasmus MC, Erasmus Medical Center
Classification: Likely benign. Review status: no assertion criteria provided. Collection method: clinical testing. Allele origin: germline. Affected: yes. Study: VKGL Data-share Consensus. Not counted in ClinVar's aggregate classification.

Laboratory of Diagnostic Genome Analysis, Leiden University Medical Center (LUMC)
Classification: Likely benign. Review status: no assertion criteria provided. Collection method: clinical testing. Allele origin: germline. Affected: yes. Study: VKGL Data-share Consensus. Not counted in ClinVar's aggregate classification.

Literature cited by the submitters: PubMed 27122458 (cited by Illumina Laboratory Services, Illumina).

NM_004006.3(DMD):c.3794G>C (p.Trp1265Ser)

Gene: DMD (dystrophin; minus strand). Cytogenetic location: Xp21.1.
Variant type: single nucleotide variant.
Coding change: c.3794G>C on transcript NM_004006.3 (MANE Select); coding-DNA position 3794, G replaced by C.
Protein change: p.Trp1265Ser; replaces tryptophan 1265 with serine.
Molecular consequence: missense variant.
Genome position (GRCh38, 1-based): chrX:32,441,307, C>G on the plus strand (G>C on the coding strand, the complement: DMD is on the minus strand). VCF-style: chrX-32441307-C-G. GRCh37 (hg19) VCF-style: chrX-32459424-C-G.
Other names: c.3770G>C, p.Trp1257Ser (NM_000109.4); c.3782G>C, p.Trp1261Ser (NM_004009.3); c.3425G>C, p.Trp1142Ser (NM_004010.3); short protein forms W1265S, W1261S, W1142S, W1257S.
Identifiers: ClinVar variation 285018 (VCV000285018.26), dbSNP rs200213555, ClinGen allele CA10379186.